The following is an entry in ClinVar:

NM_000337.6(SGCD):c.382+1G>A

Gene: SGCD (sarcoglycan delta; plus strand). Cytogenetic location: 5q33.3.
Variant type: single nucleotide variant.
Coding change: c.382+1G>A on transcript NM_000337.6 (MANE Select); the canonical splice donor site of the intron after coding-DNA position 382, G replaced by A.
Molecular consequence: splice donor variant.
Genome position (GRCh38, 1-based): chr5:156,589,319, G>A. VCF-style: chr5-156589319-G-A. GRCh37 (hg19) VCF-style: chr5-156016329-G-A.
Other names: c.379+1G>A (NM_001128209.2); c.382+1G>A (NM_172244.3).
Identifiers: ClinVar variation 3338340 (VCV003338340.1).
Genomic context (GRCh38, chr5:156,589,319, plus strand): 5'-GAAATGTTACAGTGAACATTCTCAATGACCAGACTAAAGTGCTAACTCAGCTTATAACAG[G>A]TAAGAAAAGGGAGAACTTAACAGTGCCTAGCCCATGCGAGGCACTCAGAATACAGAATTA-3'

ClinVar aggregate classification (germline): Pathogenic (1 of 4 stars; one submission).

Conditions:
Primary dilated cardiomyopathy (DCM). Also called: Dilated Cardiomyopathy. Identifiers: Orphanet 217604, MedGen C0007193, MeSH D002311, MONDO:0005021, HP:0001644. Inheritance: Various modes of inheritance.

gnomAD v4.1: 1 of 1,545,856 alleles (0.000065%); highest among the groups gnomAD compares: East Asian, 0.0023%; no homozygotes.

Submission:

Lildballe Lab, Aarhus University Hospital
Classification: Pathogenic for dilated cardiomyopathy. Last evaluated: 2024-03-01. Review status: criteria provided, single submitter. Criteria: ACMG Guidelines, 2015. Collection method: research. Allele origin: germline. Affected: no.
Comment: PVS1(s) PM2(sup) PP3(m)

Literature cited by the submitters: PubMed 25741913; PubMed 39481677.